The following is an entry in ClinVar:

NM_001080466.2(BTBD17):c.1185G>C (p.Val395=)

Gene: BTBD17 (BTB domain containing 17; minus strand). Cytogenetic location: 17q25.1.
Variant type: single nucleotide variant.
Coding change: c.1185G>C on transcript NM_001080466.2 (MANE Select); coding-DNA position 1185, G replaced by C.
Protein change: p.Val395=; no amino-acid change (valine 395 retained).
Molecular consequence: synonymous variant.
Genome position (GRCh38, 1-based): chr17:74,356,909, C>G on the plus strand (G>C on the coding strand, the complement: BTBD17 is on the minus strand). VCF-style: chr17-74356909-C-G. GRCh37 (hg19) VCF-style: chr17-72353048-C-G.
Identifiers: ClinVar variation 2648199 (VCV002648199.24), dbSNP rs1253342248, ClinGen allele CA502029840.
Genomic context (GRCh38, chr17:74,356,909, plus strand): 5'-CACCAGCACCGTCTTCTGGAAGCTCACGCCCGCCGCGTCGCCGCCGCTGCTGGCCGGCGT[C>G]ACCACCAGCCGCGGTCGGCCGTCCTCCGGGCGCGCGGCGGGCAGAGCAGTGCCCGCGGCG-3'
Protein context (NP_001073935.1, residues 385-405): RPEDGRPRLV[Val395=]TPASSGGDAA

ClinVar aggregate classification (germline): Likely benign (1 of 4 stars; one submission).

Submission:

CeGaT Center for Human Genetics Tuebingen
Classification: Likely benign. Last evaluated: 2026-08-01. Review status: criteria provided, single submitter. Criteria: CeGaT Center For Human Genetics Tuebingen Variant Classification Criteria Version 2. Collection method: clinical testing. Allele origin: germline. Affected: yes. Observed: 6 variant alleles.
Comment: BTBD17: PM2:Supporting, BP4, BP7